The following is an entry in ClinVar:

ClinVar aggregate classification (germline): Uncertain significance. Review status: criteria provided, multiple submitters, no conflicts (2 of 4 stars). 2 submissions from 2 submitters: Uncertain significance (2). Last evaluated 2023-02-21.

Conditions:
Hereditary cancer-predisposing syndrome. Also called: Neoplastic Syndromes, Hereditary; Tumor predisposition; Hereditary neoplastic syndrome; Hereditary Cancer Syndrome. Identifiers: Orphanet 140162, MedGen C0027672, MeSH D009386, MONDO:0015356.
Ataxia-telangiectasia syndrome (AT). Also called: Ataxia-telangiectasia, complementation group D; AT, COMPLEMENTATION GROUP C; ATAXIA-TELANGIECTASIA, COMPLEMENTATION GROUP A; ATAXIA-TELANGIECTASIA, FRESNO VARIANT; Ataxia-telangiectasia; LOUIS-BAR SYNDROME. Identifiers: Orphanet 100, MedGen C0004135, MONDO:0008840, OMIM 208900.

Submissions (2):

Labcorp Genetics (formerly Invitae), Labcorp
Classification: Uncertain significance for Ataxia-telangiectasia syndrome. Last evaluated: 2023-02-21. Review status: criteria provided, single submitter. Criteria: Invitae Variant Classification Sherloc (09022015). Collection method: clinical testing. Allele origin: germline.
Comment: In summary, the available evidence is currently insufficient to determine the role of this variant in disease. Therefore, it has been classified as a Variant of Uncertain Significance. An algorithm developed to predict the effect of missense changes on protein structure and function (PolyPhen-2) suggests that this variant is likely to be tolerated. ClinVar contains an entry for this variant (Variation ID: 1794067). This variant has not been reported in the literature in individuals affected with ATM-related conditions. This variant is not present in population databases (gnomAD no frequency). This sequence change replaces serine, which is neutral and polar, with arginine, which is basic and polar, at codon 877 of the ATM protein (p.Ser877Arg).

Ambry Genetics
Classification: Uncertain significance for Hereditary cancer-predisposing syndrome. Last evaluated: 2021-04-12. Review status: criteria provided, single submitter. Criteria: Ambry Variant Classification Scheme 2023. Collection method: clinical testing. Allele origin: germline.
Comment: The p.S877R variant (also known as c.2631T>G), located in coding exon 16 of the ATM gene, results from a T to G substitution at nucleotide position 2631. The serine at codon 877 is replaced by arginine, an amino acid with dissimilar properties. This amino acid position is poorly conserved in available vertebrate species. In addition, this alteration is predicted to be tolerated by in silico analysis. Since supporting evidence is limited at this time, the clinical significance of this alteration remains unclear.

NM_000051.4(ATM):c.2631T>G (p.Ser877Arg)

Gene: ATM (ATM serine/threonine kinase; plus strand). Cytogenetic location: 11q22.3.
Variant type: single nucleotide variant.
Coding change: c.2631T>G on transcript NM_000051.4 (MANE Select); coding-DNA position 2631, T replaced by G.
Protein change: p.Ser877Arg; replaces serine 877 with arginine.
Molecular consequence: missense variant.
Genome position (GRCh38, 1-based): chr11:108,267,335, T>G. VCF-style: chr11-108267335-T-G. GRCh37 (hg19) VCF-style: chr11-108138062-T-G.
Other names: c.2631T>G, p.Ser877Arg (NM_001351834.2); short protein forms S877R.
Identifiers: ClinVar variation 1794067 (VCV001794067.5), dbSNP rs2081313715, ClinGen allele CA382544330.